The following is an entry in ClinVar:

ClinVar aggregate classification (germline): Uncertain significance (1 of 4 stars; one submission).

Conditions:
Cardiomyopathy (CMYO). Also called: Cardiomyopathies. Identifiers: Orphanet 167848, MedGen C0878544, MONDO:0004994, HP:0001638. Inheritance: Various modes of inheritance.

Submission:

Color Diagnostics, LLC DBA Color Health
Classification: Uncertain significance for Cardiomyopathy. Last evaluated: 2019-08-13. Review status: criteria provided, single submitter. Criteria: ACMG Guidelines, 2015. Collection method: clinical testing. Allele origin: germline.
Comment: This missense variant replaces glutamic acid with glycine at codon 1599 of the DSP protein. Computational prediction tools and conservation analyses are inconclusive regarding the impact of this variant on the protein function. Computational splicing tools suggest that this variant may not impact RNA splicing. To our knowledge, functional assays have not been performed for this variant nor has this variant been reported in individuals affected with cardiovascular disorders in the literature. This variant has not been identified in the general population by the Genome Aggregation Database (gnomAD). Available evidence is insufficient to determine the role of this variant in disease conclusively. Therefore, this variant is classified as a Variant of Uncertain Significance.

NM_004415.4(DSP):c.4796A>G (p.Glu1599Gly)

Gene: DSP (desmoplakin; plus strand). Cytogenetic location: 6p24.3.
Variant type: single nucleotide variant.
Coding change: c.4796A>G on transcript NM_004415.4 (MANE Select); coding-DNA position 4796, A replaced by G.
Protein change: p.Glu1599Gly; replaces glutamic acid 1599 with glycine.
Molecular consequence: missense variant. On other transcripts: intron variant (2).
Genome position (GRCh38, 1-based): chr6:7,580,986, A>G. VCF-style: chr6-7580986-A-G. GRCh37 (hg19) VCF-style: chr6-7581219-A-G.
Other names: c.4050+746A>G (NM_001319034.2); c.3582+1214A>G (NM_001008844.3); short protein forms E1599G.
Identifiers: ClinVar variation 926763 (VCV000926763.3), dbSNP rs1759417690, ClinGen allele CA362687175.